The following is an entry in ClinVar:

NM_002615.7(SERPINF1):c.577G>A (p.Ala193Thr)

Gene: SERPINF1 (serpin family F member 1; plus strand). Cytogenetic location: 17p13.3.
Variant type: single nucleotide variant.
Coding change: c.577G>A on transcript NM_002615.7 (MANE Select); coding-DNA position 577, G replaced by A.
Protein change: p.Ala193Thr; replaces alanine 193 with threonine.
Molecular consequence: missense variant.
Genome position (GRCh38, 1-based): chr17:1,772,009, G>A. VCF-style: chr17-1772009-G-A. GRCh37 (hg19) VCF-style: chr17-1675303-G-A.
Other names: c.577G>A, p.Ala193Thr (NM_001329903.2); c.16G>A, p.Ala6Thr (NM_001329904.2, NM_001329905.2); c.577G>A (NM_002615.5); short protein forms A193T, A6T.
Identifiers: ClinVar variation 2164245 (VCV002164245.4), dbSNP rs144219428, ClinGen allele CA8274740.

ClinVar aggregate classification (germline): Uncertain significance. Review status: criteria provided, multiple submitters, no conflicts (2 of 4 stars). 2 submissions from 2 submitters: Uncertain significance (2). Last evaluated 2022-07-26.

Conditions:
Inborn genetic diseases. Identifiers: MedGen C0950123, MeSH D030342.

Allele frequency attached by ClinVar (database versions not stated): gnomAD 0.00003; TOPMed 0.00005; gnomAD exomes 0.00007; ESP Exome Variant Server 0.00008; ExAC 0.00009.
gnomAD v4.1: 106 of 1,613,790 alleles (0.0066%); highest among the groups gnomAD compares: South Asian, 0.011%; no homozygotes.

Submissions (2):

Ambry Genetics
Classification: Uncertain significance for Inborn genetic diseases. Last evaluated: 2022-07-26. Review status: criteria provided, single submitter. Criteria: Ambry Variant Classification Scheme 2023. Collection method: clinical testing. Allele origin: germline.

Labcorp Genetics (formerly Invitae), Labcorp
Classification: Uncertain significance. Last evaluated: 2022-04-23. Review status: criteria provided, single submitter. Criteria: Invitae Variant Classification Sherloc (09022015). Collection method: clinical testing. Allele origin: germline.
Comment: This sequence change replaces alanine, which is neutral and non-polar, with threonine, which is neutral and polar, at codon 193 of the SERPINF1 protein (p.Ala193Thr). This variant is present in population databases (rs144219428, gnomAD 0.01%). This variant has not been reported in the literature in individuals affected with SERPINF1-related conditions. Algorithms developed to predict the effect of missense changes on protein structure and function output the following: SIFT: "Not Available"; PolyPhen-2: "Benign"; Align-GVGD: "Not Available". The threonine amino acid residue is found in multiple mammalian species, which suggests that this missense change does not adversely affect protein function. In summary, the available evidence is currently insufficient to determine the role of this variant in disease. Therefore, it has been classified as a Variant of Uncertain Significance.